The following is an entry in ClinVar:

ClinVar aggregate classification (germline): Uncertain significance. Review status: criteria provided, multiple submitters, no conflicts (2 of 4 stars). 2 submissions from 2 submitters: Uncertain significance (2). Last evaluated 2025-04-17.

Conditions:
Cardiomyopathy (CMYO). Also called: Cardiomyopathies. Identifiers: Orphanet 167848, MedGen C0878544, MONDO:0004994, HP:0001638. Inheritance: Various modes of inheritance.

Submissions (2):

Dasa
Classification: Uncertain significance. Last evaluated: 2025-04-17. Review status: criteria provided, single submitter. Criteria: DASA Assertion Criteria. Collection method: clinical testing. Allele origin: germline.
Comment: NM_001035.3(RYR2):c.9679C>A (p.Arg3227Ser) is a missense variant that results in the substitution of arginine with serine. This variant is absent from population databases. The currently available literature and clinical evidence are not sufficient to establish a definitive association between this variant and the reported condition. Therefore, this variant is classified as a variant of uncertain significance.

Color Diagnostics, LLC DBA Color Health
Classification: Uncertain significance for Cardiomyopathy. Last evaluated: 2024-03-07. Review status: criteria provided, single submitter. Criteria: ACMG Guidelines, 2015. Collection method: clinical testing. Allele origin: germline.
Comment: This missense variant replaces arginine with serine at codon 3227 of the RYR2 protein. Computational prediction suggests that this variant may not impact protein structure and function (internally defined REVEL score threshold <= 0.5, PMID: 27666373). To our knowledge, functional studies have not been reported for this variant. This variant has not been reported in individuals affected with cardiovascular disorders in the literature. This variant has not been identified in the general population by the Genome Aggregation Database (gnomAD). The available evidence is insufficient to determine the role of this variant in disease conclusively. Therefore, this variant is classified as a Variant of Uncertain Significance.

NM_001035.3(RYR2):c.9679C>A (p.Arg3227Ser)

Gene: RYR2 (ryanodine receptor 2; plus strand). Cytogenetic location: 1q43.
Variant type: single nucleotide variant.
Coding change: c.9679C>A on transcript NM_001035.3 (MANE Select); coding-DNA position 9679, C replaced by A.
Protein change: p.Arg3227Ser; replaces arginine 3227 with serine.
Molecular consequence: missense variant.
Genome position (GRCh38, 1-based): chr1:237,707,047, C>A. VCF-style: chr1-237707047-C-A. GRCh37 (hg19) VCF-style: chr1-237870347-C-A.
Other names: short protein forms R3227S.
Identifiers: ClinVar variation 2774365 (VCV002774365.4), dbSNP rs747271394, ClinGen allele CA345408549.